The following is an entry in ClinVar:

NM_006939.4(SOS2):c.3980del (p.Asn1327fs)

Gene: SOS2 (SOS Ras/Rho guanine nucleotide exchange factor 2; minus strand). Cytogenetic location: 14q21.3.
Variant type: Deletion.
Coding change: c.3980del on transcript NM_006939.4 (MANE Select); coding-DNA position 3980, one base deleted (A; older notation c.3980delA).
Protein change: p.Asn1327fs; shifts the reading frame from asparagine 1327.
Molecular consequence: frameshift variant.
Genome position (GRCh38, 1-based): chr14:50,118,363, T deleted on the plus strand (A on the coding strand, the reverse complement: SOS2 is on the minus strand); the first of 4 consecutive T bases (chr14:50,118,363-50,118,366); deleting any one gives the same sequence. VCF-style (leftmost placement, unchanged base first): chr14-50118362-AT-A. GRCh37 (hg19) VCF-style: chr14-50585080-AT-A.
Other names: c.3881del, p.Asn1294fs (NM_001411020.1); short protein forms N1294fs, N1327fs.
Identifiers: ClinVar variation 2834961 (VCV002834961.3), dbSNP rs772357833, ClinGen allele CA7176675.

ClinVar aggregate classification (germline): Uncertain significance (1 of 4 stars; one submission).

Conditions:
Noonan syndrome 9 (NS9). Identifiers: Orphanet 648, MedGen C4225282, MONDO:0014691, OMIM 616559.

Submission:

Labcorp Genetics (formerly Invitae), Labcorp
Classification: Uncertain significance for Noonan syndrome 9. Last evaluated: 2023-11-24. Review status: criteria provided, single submitter. Criteria: Invitae Variant Classification Sherloc (09022015). Collection method: clinical testing. Allele origin: germline.
Comment: This sequence change results in a frameshift in the SOS2 gene (p.Asn1327Metfs*12). While this is not anticipated to result in nonsense mediated decay, it is expected to disrupt the last 6 amino acid(s) of the SOS2 protein and extend the protein by 5 additional amino acid residues. This variant is present in population databases (rs772357833, gnomAD 0.0009%). This variant has not been reported in the literature in individuals affected with SOS2-related conditions. Experimental studies and prediction algorithms are not available or were not evaluated, and the functional significance of this variant is currently unknown. In summary, the available evidence is currently insufficient to determine the role of this variant in disease. Therefore, it has been classified as a Variant of Uncertain Significance.